The following is an entry in ClinVar:

ClinVar aggregate classification (germline): Uncertain significance (1 of 4 stars; one submission).

Conditions:
Renal cell carcinoma. Identifiers: Orphanet 217071, MedGen C0007134, MeSH D002292, MONDO:0005086, HP:0005584.

Submission:

Labcorp Genetics (formerly Invitae), Labcorp
Classification: Uncertain significance for Renal cell carcinoma. Last evaluated: 2020-11-06. Review status: criteria provided, single submitter. Criteria: Invitae Variant Classification Sherloc (09022015). Collection method: clinical testing. Allele origin: germline.
Comment: In summary, the available evidence is currently insufficient to determine the role of this variant in disease. Therefore, it has been classified as a Variant of Uncertain Significance. Algorithms developed to predict the effect of missense changes on protein structure and function are either unavailable or do not agree on the potential impact of this missense change (SIFT: "Deleterious"; PolyPhen-2: "Probably Damaging"; Align-GVGD: "Class C0"). This variant has not been reported in the literature in individuals with MET-related conditions. This variant is not present in population databases (ExAC no frequency). This sequence change replaces leucine with phenylalanine at codon 1115 of the MET protein (p.Leu1115Phe). The leucine residue is highly conserved and there is a small physicochemical difference between leucine and phenylalanine.

NM_000245.4(MET):c.3291G>T (p.Leu1097Phe)

Gene: MET (MET proto-oncogene, receptor tyrosine kinase; plus strand). Cytogenetic location: 7q31.2.
Variant type: single nucleotide variant.
Coding change: c.3291G>T on transcript NM_000245.4 (MANE Select); coding-DNA position 3291, G replaced by T.
Protein change: p.Leu1097Phe; replaces leucine 1097 with phenylalanine.
Molecular consequence: missense variant.
Genome position (GRCh38, 1-based): chr7:116,777,420, G>T. VCF-style: chr7-116777420-G-T. GRCh37 (hg19) VCF-style: chr7-116417474-G-T.
Other names: c.3345G>T, p.Leu1115Phe (NM_001127500.3); c.2001G>T, p.Leu667Phe (NM_001324402.2); short protein forms L1097F, L1115F, L667F.
Identifiers: ClinVar variation 1482067 (VCV001482067.8), dbSNP rs2117039952, ClinGen allele CA368989633.